The following is an entry in ClinVar:

ClinVar aggregate classification (germline): Pathogenic (1 of 4 stars; one submission).

Conditions:
Deafness-lymphedema-leukemia syndrome. Also called: Emberger syndrome; Lymphedema, primary, with myelodysplasia. Identifiers: Orphanet 3226, MedGen C3279664, MONDO:0013540, OMIM 614038.
GATA2 deficiency with susceptibility to MDS/AML. Identifiers: MedGen CN300066, MONDO:0042982.

Submission:

Molecular Pathology Research Laboratory, SA Pathology
Classification: Pathogenic for GATA2 deficiency with susceptibility to MDS/AML; Deafness-lymphedema-leukemia syndrome. Last evaluated: 2021-07-06. Review status: criteria provided, single submitter. Criteria: ACMG Guidelines, 2015. Collection method: curation. Allele origin: unknown. Inheritance: Autosomal dominant inheritance. Affected: yes. Observed: 1 variant allele.
Comment: PVS1, PS4_Supporting, PM2

Literature cited by the submitters: PubMed 31203817.

NM_032638.5(GATA2):c.256del (p.Arg86fs)

Gene: GATA2 (GATA binding protein 2; minus strand). Cytogenetic location: 3q21.3.
Variant type: Deletion.
Coding change: c.256del on transcript NM_032638.5 (MANE Select); coding-DNA position 256, one base deleted (C; older notation c.256delC).
Protein change: p.Arg86fs; shifts the reading frame from arginine 86.
Molecular consequence: frameshift variant.
Genome position (GRCh38, 1-based): chr3:128,486,342, G deleted on the plus strand (C on the coding strand, the reverse complement: GATA2 is on the minus strand); the first of 2 consecutive G bases (chr3:128,486,342-128,486,343); deleting either gives the same sequence. VCF-style (leftmost placement, unchanged base first): chr3-128486341-CG-C. GRCh37 (hg19) VCF-style: chr3-128205184-CG-C.
Other names: c.256del, p.Arg86fs (NM_001145661.2, NM_001145662.1); short protein forms R86fs.
Identifiers: ClinVar variation 1184171 (VCV001184171.1), dbSNP rs2107672967, ClinGen allele CA1139532777.
Genomic context (GRCh38, chr3:128,486,341, plus strand): 5'-GAGAGGGCTGCTTTGCCCCCGTCCAGCCAGGGCAAACCCGGGCTGTGCAACAAGTGTGGG[CG>C]GCACATCTGGCCTCCGGTCAGGCGGGCTGCGGGCAAAGAGAGAGAGGATCAGGGTGGGCA-3'